The following is an entry in ClinVar:

ClinVar aggregate classification (germline): Uncertain significance (1 of 4 stars; one submission).

Conditions:
Osteogenesis imperfecta type I (OI1). Also called: Lobstein's Disease; Osteogenesis imperfecta type 1; Lobstein disease; OI, TYPE I; OSTEOGENESIS IMPERFECTA TARDA; OSTEOGENESIS IMPERFECTA WITH BLUE SCLERAE. Identifiers: Orphanet 216796, Orphanet 666, MedGen C0023931, MONDO:0008146, OMIM 166200. Disease mechanism: loss of function.

Submission:

Labcorp Genetics (formerly Invitae), Labcorp
Classification: Uncertain significance for Osteogenesis imperfecta type I. Last evaluated: 2022-08-06. Review status: criteria provided, single submitter. Criteria: Invitae Variant Classification Sherloc (09022015). Collection method: clinical testing. Allele origin: germline.
Comment: Advanced modeling of protein sequence and biophysical properties (such as structural, functional, and spatial information, amino acid conservation, physicochemical variation, residue mobility, and thermodynamic stability) performed at Invitae indicates that this missense variant is not expected to disrupt COL1A1 protein function. In summary, the available evidence is currently insufficient to determine the role of this variant in disease. Therefore, it has been classified as a Variant of Uncertain Significance. This variant has not been reported in the literature in individuals affected with COL1A1-related conditions. This variant is not present in population databases (gnomAD no frequency). This sequence change replaces alanine, which is neutral and non-polar, with valine, which is neutral and non-polar, at codon 382 of the COL1A1 protein (p.Ala382Val).

NM_000088.4(COL1A1):c.1145C>T (p.Ala382Val)

Gene: COL1A1 (collagen type I alpha 1 chain; minus strand). Cytogenetic location: 17q21.33.
Variant type: single nucleotide variant.
Coding change: c.1145C>T on transcript NM_000088.4 (MANE Select); coding-DNA position 1145, C replaced by T.
Protein change: p.Ala382Val; replaces alanine 382 with valine.
Molecular consequence: missense variant.
Genome position (GRCh38, 1-based): chr17:50,195,577, G>A on the plus strand (C>T on the coding strand, the complement: COL1A1 is on the minus strand). VCF-style: chr17-50195577-G-A. GRCh37 (hg19) VCF-style: chr17-48272938-G-A.
Other names: short protein forms A382V.
Identifiers: ClinVar variation 1715340 (VCV001715340.6), dbSNP rs2509228514, ClinGen allele CA400219568.
Genomic context (GRCh38, chr17:50,195,577, plus strand): 5'-ACTCTGAGGTTAGAAAGTGGCAAAGGGGACACTGAGTCGGGGACACTTACAGCAGGGCCA[G>A]CAGCACCAGCAGGGCCAGGGGGGCCAGGCTCACCACGCACACCCTGGGGACCTTCAGAGC-3'
Protein context (NP_000079.2, residues 372-392): EPGPPGPAGA[Ala382Val]GPAGNPGADG